The following is an entry in ClinVar:

ClinVar aggregate classification (germline): Pathogenic (1 of 4 stars; one submission).

Conditions:
CFTR-related disorder (CFTR-RD). Also called: CFTR-related disorders; CFTR-related condition. Identifiers: MedGen C5924204, MONDO:7770004.

Submission:

Natera, Inc.
Classification: Pathogenic for CFTR-related disorders. Last evaluated: 2024-09-30. Review status: criteria provided, single submitter. Criteria: Natera Variant Classification Schema (03/2026). Collection method: clinical testing. Allele origin: germline.
Comment: The c.1470_1471delCT variant in CFTR is a frameshift variant predicted to shift the reading frame beginning at codon 490 and leads to a stop codon 13 codons downstream. This variant is expected to result in nonsense mediated decay, truncation, or a dysfunctional protein product. This variant is rare in the general population with a frequency below the threshold expected for the associated phenotype(s). This variant has been observed in one or more individuals affected with the associated recessive disease, as either homozygous or compound heterozygous with a second variant (PMID: 32846335). Given the available evidence, this variant is classified as Pathogenic.

Literature cited by the submitters: PubMed 32846335.

NM_000492.4(CFTR):c.1470_1471del (p.Phe490fs)

Genes: CFTR-AS1 (CFTR antisense RNA 1; minus strand), CFTR (CF transmembrane conductance regulator; plus strand). Cytogenetic location: 7q31.2.
Variant type: Deletion.
Coding change: c.1470_1471del on transcript NM_000492.4 (MANE Select); coding-DNA positions 1470 to 1471, 2 bases deleted (CT; older notation c.1470_1471delCT).
Protein change: p.Phe490fs; shifts the reading frame from phenylalanine 490.
Molecular consequence: frameshift variant.
Genome position (GRCh38, 1-based): chr7:117,559,541-117,559,542, CT deleted; deleting any 2 consecutive bases within chr7:117,559,540-117,559,542 gives the same sequence; the c. name uses the placement nearest the transcript's 3' end. VCF-style (leftmost placement, unchanged base first): chr7-117559539-TTC-T. GRCh37 (hg19) VCF-style: chr7-117199593-TTC-T.
Other names: c.1469_1470delTC (NM_000492.3); c.1470_1471delCT (NM_000492.3); short protein forms F490fs.
Identifiers: ClinVar variation 4818475 (VCV004818475.1), dbSNP rs397508212.